The following is an entry in ClinVar:

NM_001035.3(RYR2):c.9569G>A (p.Arg3190Gln)

Gene: RYR2 (ryanodine receptor 2; plus strand). Cytogenetic location: 1q43.
Variant type: single nucleotide variant.
Coding change: c.9569G>A on transcript NM_001035.3 (MANE Select); coding-DNA position 9569, G replaced by A.
Protein change: p.Arg3190Gln; replaces arginine 3190 with glutamine.
Molecular consequence: missense variant.
Genome position (GRCh38, 1-based): chr1:237,705,332, G>A. VCF-style: chr1-237705332-G-A. GRCh37 (hg19) VCF-style: chr1-237868632-G-A.
Other names: p.R3190Q:CGA>CAA; c.9569G>A, p.Arg3190Gln (LRG_402t1); short protein forms R3190Q.
Identifiers: ClinVar variation 201393 (VCV000201393.26), dbSNP rs369276868, ClinGen allele CA011250.
Genomic context (GRCh38, chr1:237,705,332, plus strand): 5'-TTTTGGAAACTCATCTGGACAAACATAATATTTACTCCATCTACAATACCAAGTCTTCAC[G>A]AGAAAGAGCAGGTAACACAGAAACATGTGCAGTGCTTTGAGATATGAAGCTAAAACTTGA-3'
Protein context (NP_001026.2, residues 3180-3200): IYSIYNTKSS[Arg3190Gln]ERAALSLPTN

ClinVar aggregate classification (germline): Uncertain significance. Review status: criteria provided, multiple submitters, no conflicts (2 of 4 stars). 6 submissions from 6 submitters: Uncertain significance (6). Last evaluated 2025-12-29.

Conditions:
Arrhythmogenic right ventricular dysplasia 2. Identifiers: MedGen C1832931.
Catecholaminergic polymorphic ventricular tachycardia 1. Also called: RYR2-Related Catecholaminergic Polymorphic Ventricular Tachycardia; VENTRICULAR TACHYCARDIA, CATECHOLAMINERGIC POLYMORPHIC, 1, WITH OR WITHOUT ATRIAL DYSFUNCTION AND/OR DILATED CARDIOMYOPATHY; VENTRICULAR TACHYCARDIA, STRESS-INDUCED POLYMORPHIC 1. Identifiers: Orphanet 3286, MedGen C1631597, MONDO:0011484, OMIM 604772.
Ventricular arrhythmias due to cardiac ryanodine receptor calcium release deficiency syndrome. Also called: Autosomal dominant cardiac arrhythmia (Kuhn). Identifiers: MedGen C5542154, MONDO:0020745, OMIM 115000.
Cardiovascular phenotype. Identifiers: MedGen CN230736.
Catecholaminergic polymorphic ventricular tachycardia (CVPT). Also called: Catecholamine-induced polymorphic ventricular tachycardia. Identifiers: Orphanet 3286, MedGen C5574922, MONDO:0017990.
Cardiomyopathy (CMYO). Also called: Cardiomyopathies. Identifiers: Orphanet 167848, MedGen C0878544, MONDO:0004994, HP:0001638. Inheritance: Various modes of inheritance.

Allele frequency attached by ClinVar (database versions not stated): gnomAD exomes 0.00003 and 0.00011; ExAC 0.00004; gnomAD 0.00005 and 0.00006; TOPMed 0.00006; ESP Exome Variant Server 0.00025.
gnomAD v4.1: 172 of 1,604,356 alleles (0.011%); highest among the groups gnomAD compares: Non-Finnish European, 0.013%; no homozygotes.

Submissions (6):

Labcorp Genetics (formerly Invitae), Labcorp
Classification: Uncertain significance for Catecholaminergic polymorphic ventricular tachycardia 1. Last evaluated: 2025-12-29. Review status: criteria provided, single submitter. Criteria: Invitae Variant Classification Sherloc (09022015). Collection method: clinical testing. Allele origin: germline.
Comment: This sequence change replaces arginine, which is basic and polar, with glutamine, which is neutral and polar, at codon 3190 of the RYR2 protein (p.Arg3190Gln). The frequency data for this variant in the population databases is considered unreliable, as metrics indicate poor data quality at this position in the gnomAD database. This missense change has been observed in individual(s) with clinical features of catecholaminergic polymorphic ventricular tachycardia (PMID: 28237968, 32152366). ClinVar contains an entry for this variant (Variation ID: 201393). Invitae Evidence Modeling of protein sequence and biophysical properties (such as structural, functional, and spatial information, amino acid conservation, physicochemical variation, residue mobility, and thermodynamic stability) indicates that this missense variant is not expected to disrupt RYR2 protein function with a negative predictive value of 95%. In summary, the available evidence is currently insufficient to determine the role of this variant in disease. Therefore, it has been classified as a Variant of Uncertain Significance.

Color Diagnostics, LLC DBA Color Health
Classification: Uncertain significance for Cardiomyopathy. Last evaluated: 2025-04-09. Review status: criteria provided, single submitter. Criteria: ACMG Guidelines, 2015. Collection method: clinical testing. Allele origin: germline.
Comment: This missense variant replaces arginine with glutamine at codon 3190 of the RYR2 protein. Computational prediction suggests that this variant may not impact protein structure and function. To our knowledge, functional studies have not been reported for this variant. This variant has been reported in an individual affected with sudden unexplained death (PMID: 31195250). This variant has been identified in 10/266320 chromosomes in the general population by the Genome Aggregation Database (gnomAD). The available evidence is insufficient to determine the role of this variant in disease conclusively. Therefore, this variant is classified as a Variant of Uncertain Significance.

All of Us Research Program, National Institutes of Health
Classification: Uncertain significance for Catecholaminergic polymorphic ventricular tachycardia. Last evaluated: 2024-01-11. Review status: criteria provided, single submitter. Criteria: ACMG Guidelines, 2015. Collection method: clinical testing. Allele origin: germline. Inheritance: Autosomal dominant inheritance. Observed: 23 variant alleles, 23 heterozygotes.
Comment: This variant is located in the RYR2 protein. Computational prediction suggests that this variant may not impact protein structure and function (internally defined REVEL score threshold <= 0.5, PMID: 27666373). To our knowledge, functional studies have not been reported for this variant. This variant has been reported in an individual affected with sudden unexplained death (PMID: 31195250). This variant has been identified in 10/266320 chromosomes in the general population by the Genome Aggregation Database (gnomAD). The available evidence is insufficient to determine the role of this variant in disease conclusively. Therefore, this variant is classified as a Variant of Uncertain Significance.

This study involves interpretation of variants in research participants for the purpose of population health screening. Participant phenotype was not available at the time of variant classification. Additional details can be found in publication PMID: 35346344, PMCID: PMC8962531

Ambry Genetics
Classification: Uncertain significance for Cardiovascular phenotype. Last evaluated: 2023-01-09. Review status: criteria provided, single submitter. Criteria: Ambry Variant Classification Scheme 2023. Collection method: clinical testing. Allele origin: germline.
Comment: The p.R3190Q variant (also known as c.9569G>A), located in coding exon 67 of the RYR2 gene, results from a G to A substitution at nucleotide position 9569. The arginine at codon 3190 is replaced by glutamine, an amino acid with highly similar properties. This alteration has been reported in a hypertrophic cardiomyopathy (HCM) cohort; however, clinical details were limited (Lopes LR et al, 2015 Feb;101:294-301). Additionally, this alteration has been reported in sudden cardiac death cohorts (Broendberg AK et al, 2017 06;103:901-909; Gando I et al. Forensic Sci Int, 2019 Aug;301:289-298). This alteration has also been reported in the parent of a proband in an autism spectrum disease cohort (Teles E Silva AL et al. Transl Psychiatry, 2022 Jun;12:234). This amino acid position is well conserved in available vertebrate species. In addition, this alteration is predicted to be tolerated by in silico analysis. Since supporting evidence is limited at this time, the clinical significance of this alteration remains unclear.

GeneDx
Classification: Uncertain significance. Last evaluated: 2022-02-08. Review status: criteria provided, single submitter. Criteria: GeneDx Variant Classification Process June 2021. Collection method: clinical testing. Allele origin: germline. Affected: yes.
Comment: Identified incidentally in a patient undergoing whole exome sequencing in published literature (Landstrom et al., 2017); In silico analysis, which includes protein predictors and evolutionary conservation, supports a deleterious effect; Not located in one of the three hot-spot regions of the RYR2 gene, where the majority of pathogenic missense variants occur (Medeiros-Domingo et al., 2009); This variant is associated with the following publications: (PMID: 28404607)

Fulgent Genetics
Classification: Uncertain significance for Ventricular arrhythmias due to cardiac ryanodine receptor calcium release deficiency syndrome; Catecholaminergic polymorphic ventricular tachycardia 1. Last evaluated: 2021-08-04. Review status: criteria provided, single submitter. Criteria: ACMG Guidelines, 2015. Collection method: clinical testing. Allele origin: unknown.

Literature cited by the submitters: PubMed 28237968 (cited by Labcorp Genetics (formerly Invitae), Labcorp and Ambry Genetics); PubMed 32152366 (cited by Labcorp Genetics (formerly Invitae), Labcorp); PubMed 31195250 (cited by 3 submitters); PubMed 25351510 (cited by Ambry Genetics); PubMed 35668055 (cited by Ambry Genetics).